The following is an entry in ClinVar:

NM_000090.4(COL3A1):c.2123G>A (p.Gly708Asp)

Gene: COL3A1 (collagen type III alpha 1 chain; plus strand). Cytogenetic location: 2q32.2.
Variant type: single nucleotide variant.
Coding change: c.2123G>A on transcript NM_000090.4 (MANE Select); coding-DNA position 2123, G replaced by A.
Protein change: p.Gly708Asp; replaces glycine 708 with aspartic acid.
Molecular consequence: missense variant.
Genome position (GRCh38, 1-based): chr2:188,999,471, G>A. VCF-style: chr2-188999471-G-A. GRCh37 (hg19) VCF-style: chr2-189864197-G-A.
Other names: short protein forms G708D.
Identifiers: ClinVar variation 1786274 (VCV001786274.3), dbSNP rs111929073, ClinGen allele CA62554598.

ClinVar aggregate classification (germline): Likely pathogenic. Review status: criteria provided, multiple submitters, no conflicts (2 of 4 stars). 2 submissions from 2 submitters: Likely pathogenic (2). Last evaluated 2025-11-01.

Conditions:
Familial thoracic aortic aneurysm and aortic dissection (TAAD). Also called: Thoracic aortic aneurysms and dissections. Identifiers: Orphanet 91387, MedGen C4707243, MONDO:0019625.
Ehlers-Danlos syndrome, type 4 (EDSVASC). Also called: Ehlers-Danlos syndrome vascular type; Ehlers Danlos syndrome, ecchymotic type; Ehlers Danlos syndrome, arterial type; Ehlers Danlos syndrome, Sack-Barabas type; Ehlers-Danlos Syndrome Type IV. Identifiers: Orphanet 286, MedGen C0268338, MONDO:0017314, OMIM 130050.

Submissions (2):

Labcorp Genetics (formerly Invitae), Labcorp
Classification: Likely pathogenic for Ehlers-Danlos syndrome, type 4. Last evaluated: 2025-11-01. Review status: criteria provided, single submitter. Criteria: Invitae Variant Classification Sherloc (09022015). Collection method: clinical testing. Allele origin: germline.
Comment: This sequence change replaces glycine, which is neutral and non-polar, with aspartic acid, which is acidic and polar, at codon 708 of the COL3A1 protein (p.Gly708Asp). This variant is not present in population databases (gnomAD no frequency). This missense change has been observed in individual(s) with vascular Ehlers–Danlos syndrome (PMID: 24399159, 30793832). ClinVar contains an entry for this variant (Variation ID: 1786274). Experimental studies and prediction algorithms are not available or were not evaluated, and the functional significance of this variant is currently unknown. This variant disrupts the triple helix domain of COL3A1. Glycine residues within the Gly-Xaa-Yaa repeats of the triple helix domain are required for the structure and stability of fibrillar collagens (PMID: 7695699, 8218237, 19344236). In COL3A1, variants that affect these glycine residues are significantly enriched in individuals with disease (PMID: 24922459, 25758994) compared to the general population (ExAC). This variant disrupts the p.Gly708 amino acid residue in COL3A1. Other variant(s) that disrupt this residue have been observed in individuals with COL3A1-related conditions (PMID: 17122455), which suggests that this may be a clinically significant amino acid residue. In summary, the currently available evidence indicates that the variant is pathogenic, but additional data are needed to prove that conclusively. Therefore, this variant has been classified as Likely Pathogenic.

Ambry Genetics
Classification: Likely pathogenic for Familial thoracic aortic aneurysm and aortic dissection. Last evaluated: 2022-09-02. Review status: criteria provided, single submitter. Criteria: Ambry Variant Classification Scheme 2023. Collection method: clinical testing. Allele origin: germline.
Comment: The p.G708D variant (also known as c.2123G>A), located in coding exon 31 of the COL3A1 gene, results from a G to A substitution at nucleotide position 2123. The glycine at codon 708 is replaced by aspartic acid, an amino acid with similar properties. The majority (approximately two-thirds) of COL3A1 mutations identified to date have involved the substitution of another amino acid for glycine within the triple-helical domain (Pepin MG et al. Genet Med. 2014;16(12):881-8; Frank M et al. Eur J Hum Genet. 2015;23(12):1657-64). This alteration has been reported in two Ehlers-Danlos syndrome type IV (vascular type) cohorts (Morissette R et al. Circ Cardiovasc Genet, 2014 Feb;7:80-8; Shalhub S et al. Am J Med Genet A, 2019 05;179:797-802). This variant is also considered to be rare based on population cohorts in the Genome Aggregation Database (gnomAD). Internal structural analysis indicates that this alteration disrupts the characteristic G-X-Y motif in the COL3A1 protein and inserts a bulky side chain into a sterically-constrained region (Bella J et al. Science. 1994;266:75-81; Hohenester E et al. Proc. Natl. Acad. Sci. U.S.A. 2008;105:18273-7; Ambry internal data). This amino acid position is highly conserved in available vertebrate species. In addition, this alteration is predicted to be deleterious by in silico analysis. Based on the majority of available evidence to date, this variant is likely to be pathogenic.

Literature cited by the submitters: PubMed 24399159 (cited by Labcorp Genetics (formerly Invitae), Labcorp and Ambry Genetics); PubMed 30793832 (cited by Labcorp Genetics (formerly Invitae), Labcorp and Ambry Genetics); PubMed 7695699 (cited by Labcorp Genetics (formerly Invitae), Labcorp); PubMed 8218237 (cited by Labcorp Genetics (formerly Invitae), Labcorp); PubMed 19344236 (cited by Labcorp Genetics (formerly Invitae), Labcorp); PubMed 24922459 (cited by Labcorp Genetics (formerly Invitae), Labcorp); PubMed 25758994 (cited by Labcorp Genetics (formerly Invitae), Labcorp); PubMed 17122455 (cited by Labcorp Genetics (formerly Invitae), Labcorp).